The following is an entry in ClinVar:

ClinVar aggregate classification (germline): Likely benign. Review status: criteria provided, multiple submitters, no conflicts (2 of 4 stars). 2 submissions from 2 submitters: Likely benign (2). Last evaluated 2024-06-16.

Allele frequency attached by ClinVar (database versions not stated): gnomAD exomes 0.00003; ExAC 0.00004; TOPMed 0.00004; gnomAD 0.00007 and 0.00009; ESP Exome Variant Server 0.00023.

Submissions (2):

Labcorp Genetics (formerly Invitae), Labcorp
Classification: Likely benign. Last evaluated: 2024-06-16. Review status: criteria provided, single submitter. Criteria: Invitae Variant Classification Sherloc (09022015). Collection method: clinical testing. Allele origin: germline.

CeGaT Center for Human Genetics Tuebingen
Classification: Likely benign. Last evaluated: 2024-03-01. Review status: criteria provided, single submitter. Criteria: CeGaT Center For Human Genetics Tuebingen Variant Classification Criteria Version 2. Collection method: clinical testing. Allele origin: germline. Affected: yes. Observed: 1 variant allele.
Comment: PTPN23: BP4, BP7

NM_015466.4(PTPN23):c.2037C>T (p.Tyr679=)

Gene: PTPN23 (protein tyrosine phosphatase non-receptor type 23; plus strand). Cytogenetic location: 3p21.31.
Variant type: single nucleotide variant.
Coding change: c.2037C>T on transcript NM_015466.4 (MANE Select); coding-DNA position 2037, C replaced by T.
Protein change: p.Tyr679=; no amino-acid change (tyrosine 679 retained).
Molecular consequence: synonymous variant.
Genome position (GRCh38, 1-based): chr3:47,409,742, C>T. VCF-style: chr3-47409742-C-T. GRCh37 (hg19) VCF-style: chr3-47451232-C-T.
Other names: c.1659C>T, p.Tyr553= (NM_001304482.2).
Identifiers: ClinVar variation 1644585 (VCV001644585.29), dbSNP rs150363204, ClinGen allele CA2365896.